The following is an entry in ClinVar:

NM_001605.3(AARS1):c.1073G>T (p.Gly358Val)

Gene: AARS1 (alanyl-tRNA synthetase 1; minus strand). Cytogenetic location: 16q22.1.
Variant type: single nucleotide variant.
Coding change: c.1073G>T on transcript NM_001605.3 (MANE Select); coding-DNA position 1073, G replaced by T.
Protein change: p.Gly358Val; replaces glycine 358 with valine.
Molecular consequence: missense variant.
Genome position (GRCh38, 1-based): chr16:70,267,808, C>A on the plus strand (G>T on the coding strand, the complement: AARS1 is on the minus strand). VCF-style: chr16-70267808-C-A. GRCh37 (hg19) VCF-style: chr16-70301711-C-A.
Other names: c.1073G>T (NM_001605.2); short protein forms G358V.
Identifiers: ClinVar variation 1682256 (VCV001682256.37), dbSNP rs370368784, ClinGen allele CA8140922.

ClinVar aggregate classification (germline): Uncertain significance. Review status: criteria provided, multiple submitters, no conflicts (2 of 4 stars). 3 submissions from 3 submitters: Uncertain significance (3). Last evaluated 2024-02-01.

Conditions:
Charcot-Marie-Tooth disease type 2. Also called: Charcot-Marie-Tooth type 2. Identifiers: Orphanet 64746, MedGen C0270914, MONDO:0018993.
Inborn genetic diseases. Identifiers: MedGen C0950123, MeSH D030342.

Allele frequency attached by ClinVar (database versions not stated): TOPMed below 0.00001; ExAC 0.00001; gnomAD 0.00001; gnomAD exomes 0.00001 and 0.00003; ESP Exome Variant Server 0.00008.
gnomAD v4.1: 43 of 1,614,040 alleles (0.0027%); highest among the groups gnomAD compares: Non-Finnish European, 0.0034%; no homozygotes.

Submissions (3):

CeGaT Center for Human Genetics Tuebingen
Classification: Uncertain significance. Last evaluated: 2024-02-01. Review status: criteria provided, single submitter. Criteria: CeGaT Center For Human Genetics Tuebingen Variant Classification Criteria Version 2. Collection method: clinical testing. Allele origin: germline. Affected: yes. Observed: 2 variant alleles.
Comment: AARS1: PM2, PP3

Labcorp Genetics (formerly Invitae), Labcorp
Classification: Uncertain significance for Charcot-Marie-Tooth disease type 2. Last evaluated: 2024-01-29. Review status: criteria provided, single submitter. Criteria: Invitae Variant Classification Sherloc (09022015). Collection method: clinical testing. Allele origin: germline.
Comment: This sequence change replaces glycine, which is neutral and non-polar, with valine, which is neutral and non-polar, at codon 358 of the AARS protein (p.Gly358Val). This variant is present in population databases (rs370368784, gnomAD 0.003%). This variant has not been reported in the literature in individuals affected with AARS-related conditions. ClinVar contains an entry for this variant (Variation ID: 1682256). An algorithm developed to predict the effect of missense changes on protein structure and function (PolyPhen-2) suggests that this variant is likely to be disruptive. Algorithms developed to predict the effect of sequence changes on RNA splicing suggest that this variant may create or strengthen a splice site. In summary, the available evidence is currently insufficient to determine the role of this variant in disease. Therefore, it has been classified as a Variant of Uncertain Significance.

Ambry Genetics
Classification: Uncertain significance for Inborn genetic diseases. Last evaluated: 2023-12-13. Review status: criteria provided, single submitter. Criteria: Ambry Variant Classification Scheme 2023. Collection method: clinical testing. Allele origin: germline.